The following is an entry in ClinVar:

NM_006734.4(HIVEP2):c.4606C>T (p.Pro1536Ser)

Gene: HIVEP2 (HIVEP zinc finger 2; minus strand). Cytogenetic location: 6q24.2.
Variant type: single nucleotide variant.
Coding change: c.4606C>T on transcript NM_006734.4 (MANE Select); coding-DNA position 4606, C replaced by T.
Protein change: p.Pro1536Ser; replaces proline 1536 with serine.
Molecular consequence: missense variant.
Genome position (GRCh38, 1-based): chr6:142,770,133, G>A on the plus strand (C>T on the coding strand, the complement: HIVEP2 is on the minus strand). VCF-style: chr6-142770133-G-A. GRCh37 (hg19) VCF-style: chr6-143091270-G-A.
Other names: c.4606C>T, p.Pro1536Ser (NM_001438449.1, NM_001438450.1, NM_001438451.1); short protein forms P1536S.
Identifiers: ClinVar variation 4280075 (VCV004280075.1).

ClinVar aggregate classification (germline): Uncertain significance (1 of 4 stars; one submission).

Conditions:
Neutropenia, severe congenital, 2, autosomal dominant. Identifiers: Orphanet 486, MedGen C2751288, MONDO:0013139, OMIM 613107.

Submission:

Johns Hopkins Genomics, Johns Hopkins University
Classification: Uncertain significance for Neutropenia, severe congenital, 2, autosomal dominant. Last evaluated: 2025-03-26. Review status: criteria provided, single submitter. Criteria: ACMG Guidelines, 2015. Collection method: clinical testing. Allele origin: germline.
Comment: This HIVEP2 variant is absent from a large population dataset and has not been reported in ClinVar nor the literature, to our knowledge. Two bioinformatic tools queried predict that this substitution would be tolerated. The proline residue at this position is conserved across most vertebrate species assessed, but at least one species has a serine at this position. Bioinformatic analysis predicts that this missense variant would not affect normal exon 5 of 6 splicing, although this has not been confirmed experimentally to our knowledge. Due to insufficient evidence, we consider the clinical significance of c.4606C>T to be uncertain at this time.

Literature cited by the submitters: PubMed 26153216; PubMed 27003583; PubMed 31207095; PubMed 34704275.